The following is an entry in ClinVar:

NM_001127671.2(LIFR):c.2497+1G>T

Gene: LIFR (LIF receptor subunit alpha; minus strand). Cytogenetic location: 5p13.1.
Variant type: single nucleotide variant.
Coding change: c.2497+1G>T on transcript NM_001127671.2 (MANE Select); the canonical splice donor site of the intron after coding-DNA position 2497, G replaced by T.
Molecular consequence: splice donor variant.
Genome position (GRCh38, 1-based): chr5:38,485,818, C>A on the plus strand (G>T on the coding strand, the complement: LIFR is on the minus strand). VCF-style: chr5-38485818-C-A. GRCh37 (hg19) VCF-style: chr5-38485920-C-A.
Other names: c.2497+1G>T (NM_002310.6, NM_001364298.2, NM_001364297.2).
Identifiers: ClinVar variation 1500421 (VCV001500421.10), dbSNP rs758055364, ClinGen allele CA3242653.
Genomic context (GRCh38, chr5:38,485,818, plus strand): 5'-GAATCACTAGAACACTACGCATGCAGGATGGAAAGCACCTCAACAGCAACCTGAAACTTA[C>A]AATTTTCCTTTGTCACCACATACATACTCTTCTCCGGGCCCACTCCACCATCTGTATAGG-3'

ClinVar aggregate classification (germline): Likely pathogenic (1 of 4 stars; one submission).

Allele frequency attached by ClinVar (database versions not stated): ExAC 0.00001.
gnomAD v4.1: 3 of 1,614,058 alleles (0.00019%); highest among the groups gnomAD compares: African/African-American, 0.0013%; no homozygotes.

Submissions (2):

Labcorp Genetics (formerly Invitae), Labcorp
Classification: Likely pathogenic. Last evaluated: 2022-10-04. Review status: criteria provided, single submitter. Criteria: Invitae Variant Classification Sherloc (09022015). Collection method: clinical testing. Allele origin: germline.
Comment: In summary, the currently available evidence indicates that the variant is pathogenic, but additional data are needed to prove that conclusively. Therefore, this variant has been classified as Likely Pathogenic. Algorithms developed to predict the effect of sequence changes on RNA splicing suggest that this variant may disrupt the consensus splice site. ClinVar contains an entry for this variant (Variation ID: 1500421). This variant has not been reported in the literature in individuals affected with LIFR-related conditions. This variant is present in population databases (rs758055364, gnomAD 0.002%). This sequence change affects a donor splice site in intron 17 of the LIFR gene. It is expected to disrupt RNA splicing. Variants that disrupt the donor or acceptor splice site typically lead to a loss of protein function (PMID: 16199547), and loss-of-function variants in LIFR are known to be pathogenic (PMID: 14740318).

Dr. Peter K. Rogan Lab, Western University
No classification provided (evidence only). Condition: Cervical cancer. Review status: no classification provided. Collection method: in vitro. Allele origin: not applicable. Functional consequence: skipped exon, retained intron. Not counted in ClinVar's aggregate classification.

Literature cited by the submitters: PubMed 16199547 (cited by Labcorp Genetics (formerly Invitae), Labcorp); PubMed 14740318 (cited by Labcorp Genetics (formerly Invitae), Labcorp).